The following is an entry in ClinVar:

ClinVar aggregate classification (germline): Uncertain significance. Review status: criteria provided, multiple submitters, no conflicts (2 of 4 stars). 2 submissions from 2 submitters: Uncertain significance (2). Last evaluated 2025-12-19.

Conditions:
Myofibrillar myopathy 3 (MFM3). Also called: Muscular dystrophy, proximal, type 1A; Autosomal dominant spheroid body myopathy. Identifiers: Orphanet 266, Orphanet 268129, MedGen C3714934, MONDO:0012215, OMIM 609200.

Allele frequency attached by ClinVar (database versions not stated): TOPMed below 0.00001.
gnomAD v4.1: 3 of 1,611,232 alleles (0.00019%); highest among the groups gnomAD compares: Non-Finnish European, 0.00025%; no homozygotes.

Submissions (2):

Women's Health and Genetics/Laboratory Corporation of America, LabCorp
Classification: Uncertain significance. Last evaluated: 2025-12-19. Review status: criteria provided, single submitter. Criteria: LabCorp Variant Classification Summary - May 2015. Collection method: clinical testing. Allele origin: germline.

Labcorp Genetics (formerly Invitae), Labcorp
Classification: Uncertain significance for Myofibrillar myopathy 3. Last evaluated: 2024-01-16. Review status: criteria provided, single submitter. Criteria: Invitae Variant Classification Sherloc (09022015). Collection method: clinical testing. Allele origin: germline.
Comment: This sequence change replaces glutamic acid, which is acidic and polar, with aspartic acid, which is acidic and polar, at codon 362 of the MYOT protein (p.Glu362Asp). This variant is not present in population databases (gnomAD no frequency). This variant has not been reported in the literature in individuals affected with MYOT-related conditions. An algorithm developed to predict the effect of missense changes on protein structure and function (PolyPhen-2) suggests that this variant is likely to be disruptive. In summary, the available evidence is currently insufficient to determine the role of this variant in disease. Therefore, it has been classified as a Variant of Uncertain Significance.

NM_006790.3(MYOT):c.1086G>C (p.Glu362Asp)

Genes: MYOT (myotilin; plus strand), PKD2L2-DT (PKD2L2 divergent transcript; minus strand). Cytogenetic location: 5q31.2.
Variant type: single nucleotide variant.
Coding change: c.1086G>C on transcript NM_006790.3 (MANE Select); coding-DNA position 1086, G replaced by C.
Protein change: p.Glu362Asp; replaces glutamic acid 362 with aspartic acid.
Molecular consequence: missense variant.
Genome position (GRCh38, 1-based): chr5:137,886,109, G>C. VCF-style: chr5-137886109-G-C. GRCh37 (hg19) VCF-style: chr5-137221798-G-C.
Other names: c.534G>C, p.Glu178Asp (NM_001135940.2); c.741G>C, p.Glu247Asp (NM_001300911.2); short protein forms E178D, E362D, E247D.
Identifiers: ClinVar variation 2888415 (VCV002888415.4), dbSNP rs748622623, ClinGen allele CA3423107.